The following is an entry in ClinVar:

NM_144997.7(FLCN):c.289A>G (p.Ser97Gly)

Gene: FLCN (folliculin; minus strand). Cytogenetic location: 17p11.2.
Variant type: single nucleotide variant.
Coding change: c.289A>G on transcript NM_144997.7 (MANE Select); coding-DNA position 289, A replaced by G.
Protein change: p.Ser97Gly; replaces serine 97 with glycine.
Molecular consequence: missense variant.
Genome position (GRCh38, 1-based): chr17:17,226,283, T>C on the plus strand (A>G on the coding strand, the complement: FLCN is on the minus strand). VCF-style: chr17-17226283-T-C. GRCh37 (hg19) VCF-style: chr17-17129597-T-C.
Other names: c.289A>G, p.Ser97Gly (NM_001353229.2, NM_001353230.2, NM_001353231.2 and 1 more transcripts); short protein forms S97G.
Identifiers: ClinVar variation 2148224 (VCV002148224.6), dbSNP rs2544283055, ClinGen allele CA398534920.

ClinVar aggregate classification (germline): Uncertain significance. Review status: criteria provided, multiple submitters, no conflicts (2 of 4 stars). 3 submissions from 3 submitters: Uncertain significance (2). 1 of the submissions does not count toward it. Last evaluated 2024-06-04.

Conditions:
FLCN-related disorder. Also called: FLCN-related condition.
Hereditary cancer-predisposing syndrome. Also called: Neoplastic Syndromes, Hereditary; Hereditary neoplastic syndrome; Hereditary Cancer Syndrome; Tumor predisposition. Identifiers: Orphanet 140162, MedGen C0027672, MeSH D009386, MONDO:0015356.
Birt-Hogg-Dube syndrome. Also called: Birt Hogg Dubé syndrome. Identifiers: Orphanet 122, MedGen C0346010, MONDO:0800444.

Submissions (3):

Ambry Genetics
Classification: Uncertain significance for Hereditary cancer-predisposing syndrome. Last evaluated: 2024-06-04. Review status: criteria provided, single submitter. Criteria: Ambry Variant Classification Scheme 2023. Collection method: clinical testing. Allele origin: germline.
Comment: The p.S97G variant (also known as c.289A>G), located in coding exon 2 of the FLCN gene, results from an A to G substitution at nucleotide position 289. The serine at codon 97 is replaced by glycine, an amino acid with similar properties. This amino acid position is conserved. In addition, this alteration is predicted to be deleterious by in silico analysis. Based on the available evidence, the clinical significance of this variant remains unclear.

Labcorp Genetics (formerly Invitae), Labcorp
Classification: Uncertain significance for Birt-Hogg-Dube syndrome. Last evaluated: 2024-02-07. Review status: criteria provided, single submitter. Criteria: Invitae Variant Classification Sherloc (09022015). Collection method: clinical testing. Allele origin: germline.
Comment: This sequence change replaces serine, which is neutral and polar, with glycine, which is neutral and non-polar, at codon 97 of the FLCN protein (p.Ser97Gly). This variant is not present in population databases (gnomAD no frequency). This variant has not been reported in the literature in individuals affected with FLCN-related conditions. ClinVar contains an entry for this variant (Variation ID: 2148224). Advanced modeling of protein sequence and biophysical properties (such as structural, functional, and spatial information, amino acid conservation, physicochemical variation, residue mobility, and thermodynamic stability) performed at Invitae indicates that this missense variant is expected to disrupt FLCN protein function with a positive predictive value of 80%. In summary, the available evidence is currently insufficient to determine the role of this variant in disease. Therefore, it has been classified as a Variant of Uncertain Significance.

PreventionGenetics, part of Exact Sciences
Classification: Uncertain significance for FLCN-related condition. Last evaluated: 2023-10-27. Review status: no assertion criteria provided. Collection method: clinical testing. Allele origin: germline. Not counted in ClinVar's aggregate classification.
Comment: The FLCN c.289A>G variant is predicted to result in the amino acid substitution p.Ser97Gly. To our knowledge, this variant has not been reported in the literature or in a large population database, indicating this variant is rare. At this time, the clinical significance of this variant is uncertain due to the absence of conclusive functional and genetic evidence.